The following is an entry in ClinVar:

ClinVar aggregate classification (germline): Uncertain significance. Review status: criteria provided, multiple submitters, no conflicts (2 of 4 stars). 2 submissions from 2 submitters: Uncertain significance (2). Last evaluated 2023-07-27.

Conditions:
Oligodontia-cancer predisposition syndrome. Also called: TOOTH AGENESIS-COLORECTAL CANCER SYNDROME. Identifiers: Orphanet 300576, MedGen C1837750, MONDO:0012075, OMIM 608615. Disease mechanism: loss of function.
Hereditary cancer-predisposing syndrome. Also called: Hereditary Cancer Syndrome; Tumor predisposition; Neoplastic Syndromes, Hereditary; Hereditary neoplastic syndrome. Identifiers: Orphanet 140162, MedGen C0027672, MeSH D009386, MONDO:0015356.

Submissions (2):

Ambry Genetics
Classification: Uncertain significance for Hereditary cancer-predisposing syndrome. Last evaluated: 2023-07-27. Review status: criteria provided, single submitter. Criteria: Ambry Variant Classification Scheme 2023. Collection method: clinical testing. Allele origin: germline.
Comment: The p.R615G variant (also known as c.1843A>G), located in coding exon 6 of the AXIN2 gene, results from an A to G substitution at nucleotide position 1843. The arginine at codon 615 is replaced by glycine, an amino acid with dissimilar properties. This amino acid position is conserved. In addition, the in silico prediction for this alteration is inconclusive. Since supporting evidence is limited at this time, the clinical significance of this alteration remains unclear.

Labcorp Genetics (formerly Invitae), Labcorp
Classification: Uncertain significance for Oligodontia-cancer predisposition syndrome. Last evaluated: 2021-08-27. Review status: criteria provided, single submitter. Criteria: Invitae Variant Classification Sherloc (09022015). Collection method: clinical testing. Allele origin: germline.
Comment: This sequence change replaces arginine with glycine at codon 615 of the AXIN2 protein (p.Arg615Gly). The arginine residue is moderately conserved and there is a moderate physicochemical difference between arginine and glycine. This variant is not present in population databases (ExAC no frequency). This variant has not been reported in the literature in individuals affected with AXIN2-related conditions. Algorithms developed to predict the effect of missense changes on protein structure and function (SIFT, PolyPhen-2, Align-GVGD) all suggest that this variant is likely to be tolerated. In summary, the available evidence is currently insufficient to determine the role of this variant in disease. Therefore, it has been classified as a Variant of Uncertain Significance.

NM_004655.4(AXIN2):c.1843A>G (p.Arg615Gly)

Gene: AXIN2 (axin 2; minus strand). Cytogenetic location: 17q24.1.
Variant type: single nucleotide variant.
Coding change: c.1843A>G on transcript NM_004655.4 (MANE Select); coding-DNA position 1843, A replaced by G.
Protein change: p.Arg615Gly; replaces arginine 615 with glycine.
Molecular consequence: missense variant. On other transcripts: intron variant (1).
Genome position (GRCh38, 1-based): chr17:65,536,933, T>C on the plus strand (A>G on the coding strand, the complement: AXIN2 is on the minus strand). VCF-style: chr17-65536933-T-C. GRCh37 (hg19) VCF-style: chr17-63533051-T-C.
Other names: c.1713-380A>G (NM_001363813.1); short protein forms R615G.
Identifiers: ClinVar variation 862669 (VCV000862669.8), dbSNP rs2043932825, ClinGen allele CA400676514.